The following is an entry in ClinVar:

NM_182948.4(PRKACB):c.977C>T (p.Thr326Ile)

Gene: PRKACB (protein kinase cAMP-activated catalytic subunit beta; plus strand). Cytogenetic location: 1p31.1.
Variant type: single nucleotide variant.
Coding change: c.977C>T on transcript NM_182948.4 (MANE Select); coding-DNA position 977, C replaced by T.
Protein change: p.Thr326Ile; replaces threonine 326 with isoleucine.
Molecular consequence: missense variant.
Genome position (GRCh38, 1-based): chr1:84,214,223, C>T. VCF-style: chr1-84214223-C-T. GRCh37 (hg19) VCF-style: chr1-84679906-C-T.
Other names: c.857C>T, p.Thr286Ile (NM_001242857.3); c.800C>T, p.Thr267Ile (NM_001242858.3); c.848C>T, p.Thr283Ile (NM_001242859.3); c.854C>T, p.Thr285Ile (NM_001242860.3); c.746C>T, p.Thr249Ile (NM_001242861.3); c.797C>T, p.Thr266Ile (NM_001242862.3, NM_001375565.1); c.845C>T, p.Thr282Ile (NM_001375560.1); c.830C>T, p.Thr277Ile (NM_001375561.1); and 4 more; short protein forms T249I, T266I, T267I, T274I, T275I, T277I, T278I, T279I.
Identifiers: ClinVar variation 3361019 (VCV003361019.1).
Genomic context (GRCh38, chr1:84,214,223, plus strand): 5'-CATCCCACTTCAGTTCAGATCTCAAGGACCTTCTACGGAACCTGCTGCAGGTGGATTTGA[C>T]CAAGAGATTTGGAAATCTAAAGAATGGTGTCAGTGATATAAAAACTCACAAGTGGTTTGC-3'
Protein context (NP_891993.1, residues 316-336): LLRNLLQVDL[Thr326Ile]KRFGNLKNGV

ClinVar aggregate classification (germline): Uncertain significance (1 of 4 stars; one submission).

Submission:

GeneDx
Classification: Uncertain significance. Last evaluated: 2023-07-20. Review status: criteria provided, single submitter. Criteria: GeneDx Variant Classification Process June 2021. Collection method: clinical testing. Allele origin: germline. Affected: yes.
Comment: Not observed at significant frequency in large population cohorts (gnomAD); In silico analysis supports that this missense variant has a deleterious effect on protein structure/function; Has not been previously published as pathogenic or benign to our knowledge